The following is an entry in ClinVar:

ClinVar aggregate classification (germline): Uncertain significance (1 of 4 stars; one submission).

Conditions:
Baller-Gerold syndrome (BGS). Also called: CRANIOSYNOSTOSIS WITH RADIAL DEFECTS. Identifiers: Orphanet 1225, MedGen C0265308, MONDO:0009039, OMIM 218600.

Allele frequency attached by ClinVar (database versions not stated): gnomAD exomes 0.00001.

Submission:

Labcorp Genetics (formerly Invitae), Labcorp
Classification: Uncertain significance for Baller-Gerold syndrome. Last evaluated: 2023-10-23. Review status: criteria provided, single submitter. Criteria: Invitae Variant Classification Sherloc (09022015). Collection method: clinical testing. Allele origin: germline.
Comment: This sequence change replaces threonine, which is neutral and polar, with proline, which is neutral and non-polar, at codon 139 of the RECQL4 protein (p.Thr139Pro). This variant is present in population databases (no rsID available, gnomAD 0.007%). This variant has not been reported in the literature in individuals affected with RECQL4-related conditions. ClinVar contains an entry for this variant (Variation ID: 960244). Advanced modeling of protein sequence and biophysical properties (such as structural, functional, and spatial information, amino acid conservation, physicochemical variation, residue mobility, and thermodynamic stability) performed at Invitae indicates that this missense variant is not expected to disrupt RECQL4 protein function. In summary, the available evidence is currently insufficient to determine the role of this variant in disease. Therefore, it has been classified as a Variant of Uncertain Significance.

NM_004260.4(RECQL4):c.415A>C (p.Thr139Pro)

Gene: RECQL4 (RecQ like helicase 4; minus strand). Cytogenetic location: 8q24.3.
Variant type: single nucleotide variant.
Coding change: c.415A>C on transcript NM_004260.4 (MANE Select); coding-DNA position 415, A replaced by C.
Protein change: p.Thr139Pro; replaces threonine 139 with proline.
Molecular consequence: missense variant.
Genome position (GRCh38, 1-based): chr8:144,516,704, T>G on the plus strand (A>C on the coding strand, the complement: RECQL4 is on the minus strand). VCF-style: chr8-144516704-T-G. GRCh37 (hg19) VCF-style: chr8-145742088-T-G.
Other names: short protein forms T139P.
Identifiers: ClinVar variation 960244 (VCV000960244.5), dbSNP rs1333499972, ClinGen allele CA372691572.